The following is an entry in ClinVar:

NM_025114.4(CEP290):c.1165A>T (p.Lys389Ter)

Gene: CEP290 (centrosomal protein 290; minus strand). Cytogenetic location: 12q21.32.
Variant type: single nucleotide variant.
Coding change: c.1165A>T on transcript NM_025114.4 (MANE Select); coding-DNA position 1165, A replaced by T.
Protein change: p.Lys389Ter; replaces lysine 389 with a stop codon.
Molecular consequence: nonsense.
Genome position (GRCh38, 1-based): chr12:88,125,270, T>A on the plus strand (A>T on the coding strand, the complement: CEP290 is on the minus strand). VCF-style: chr12-88125270-T-A. GRCh37 (hg19) VCF-style: chr12-88519047-T-A.
Other names: short protein forms K389*.
Identifiers: ClinVar variation 1075783 (VCV001075783.8), dbSNP rs2138000998, ClinGen allele CA385981142.

ClinVar aggregate classification (germline): Pathogenic. Review status: criteria provided, multiple submitters, no conflicts (2 of 4 stars). 2 submissions from 2 submitters: Pathogenic (2). Last evaluated 2024-06-03.

Conditions:
Meckel-Gruber syndrome. Also called: DYSENCEPHALIA SPLANCHNOCYSTICA; Dysencephalia splachnocystica; GRUBER SYNDROME. Identifiers: Orphanet 564, MedGen C0265215, MONDO:0018921.
Joubert syndrome. Also called: JOUBERT-BOLTSHAUSER SYNDROME; Familial aplasia of the vermis. Identifiers: Orphanet 475, MedGen C5979921, MONDO:0018772.
Nephronophthisis. Also called: Juvenile Nephronophthisis. Identifiers: Orphanet 655, MedGen C0687120, MONDO:0019005, HP:0000090.
CEP290-related ciliopathy. Also called: CEP290 ciliopathy. Identifiers: MedGen CN305601, MONDO:0100451.

Submissions (2):

Myriad Genetics, Inc.
Classification: Pathogenic for CEP290-related ciliopathy. Last evaluated: 2024-06-03. Review status: criteria provided, single submitter. Criteria: Myriad Autosomal Dominant, Autosomal Recessive and X-Linked Classification Criteria (2023). Collection method: clinical testing. Allele origin: unknown.
Comment: NM_025114.3(CEP290):c.1165A>T(K389*) is expected to be pathogenic in the context of CEP290-related disorders. This variant is predicted to lead to an abnormal or absent protein product due to the creation of a premature termination codon in CEP290, a gene where loss-of-function variants are known to be pathogenic. Please note: this variant was assessed in the context of healthy population screening.

Labcorp Genetics (formerly Invitae), Labcorp
Classification: Pathogenic for Joubert syndrome; Meckel-Gruber syndrome; Nephronophthisis. Last evaluated: 2023-06-05. Review status: criteria provided, single submitter. Criteria: Invitae Variant Classification Sherloc (09022015). Collection method: clinical testing. Allele origin: germline.
Comment: This sequence change creates a premature translational stop signal (p.Lys389*) in the CEP290 gene. It is expected to result in an absent or disrupted protein product. Loss-of-function variants in CEP290 are known to be pathogenic (PMID: 16909394, 17345604, 20690115). This variant is not present in population databases (gnomAD no frequency). This variant has not been reported in the literature in individuals affected with CEP290-related conditions. ClinVar contains an entry for this variant (Variation ID: 1075783). For these reasons, this variant has been classified as Pathogenic.

Literature cited by the submitters: PubMed 16909394 (cited by Labcorp Genetics (formerly Invitae), Labcorp); PubMed 17345604 (cited by Labcorp Genetics (formerly Invitae), Labcorp); PubMed 20690115 (cited by Labcorp Genetics (formerly Invitae), Labcorp).